The following is an entry in ClinVar:

NM_003579.4(RAD54L):c.674A>G (p.Asn225Ser)

Gene: RAD54L (RAD54 like; plus strand). Cytogenetic location: 1p34.1.
Variant type: single nucleotide variant.
Coding change: c.674A>G on transcript NM_003579.4 (MANE Select); coding-DNA position 674, A replaced by G.
Protein change: p.Asn225Ser; replaces asparagine 225 with serine.
Molecular consequence: missense variant.
Genome position (GRCh38, 1-based): chr1:46,260,923, A>G. VCF-style: chr1-46260923-A-G. GRCh37 (hg19) VCF-style: chr1-46726595-A-G.
Other names: c.674A>G, p.Asn225Ser (NM_001142548.2); c.134A>G, p.Asn45Ser (NM_001370766.1); short protein forms N225S, N45S.
Identifiers: ClinVar variation 1755215 (VCV001755215.2), dbSNP rs1412346298, ClinGen allele CA340187210.

ClinVar aggregate classification (germline): Uncertain significance (1 of 4 stars; one submission).

Allele frequency attached by ClinVar (database versions not stated): gnomAD exomes below 0.00001.

Submission:

Ambry Genetics
Classification: Uncertain significance. Last evaluated: 2024-02-11. Review status: criteria provided, single submitter. Criteria: Ambry Variant Classification Scheme 2023. Collection method: clinical testing. Allele origin: germline.
Comment: The p.N225S variant (also known as c.674A>G), located in coding exon 7 of the RAD54L gene, results from an A to G substitution at nucleotide position 674. The asparagine at codon 225 is replaced by serine, an amino acid with highly similar properties. This amino acid position is conserved. In addition, the in silico prediction for this alteration is inconclusive. Since supporting evidence is limited at this time, the clinical significance of this alteration remains unclear.